The following is an entry in ClinVar:

NM_138422.4(ADAT3):c.147C>T (p.Ser49=)

Genes: SCAMP4 (secretory carrier membrane protein 4; plus strand), ADAT3 (adenosine deaminase tRNA specific 3; plus strand). Cytogenetic location: 19p13.3.
Variant type: single nucleotide variant.
Coding change: c.147C>T on transcript NM_138422.4 (MANE Select); coding-DNA position 147, C replaced by T.
Protein change: p.Ser49=; no amino-acid change (serine 49 retained).
Molecular consequence: synonymous variant. On other transcripts: intron variant (3).
Genome position (GRCh38, 1-based): chr19:1,912,194, C>T. VCF-style: chr19-1912194-C-T. GRCh37 (hg19) VCF-style: chr19-1912193-C-T.
Other names: c.99C>T, p.Ser33= (NM_001329533.2); c.-41-2785C>T (NM_079834.4, NM_001329540.2); c.-125-5500C>T (NM_001329539.2).
Identifiers: ClinVar variation 3025735 (VCV003025735.22), dbSNP rs138302527, ClinGen allele CA9054499.

ClinVar aggregate classification (germline): Likely benign (1 of 4 stars; one submission).

Allele frequency attached by ClinVar (database versions not stated): gnomAD 0.00001; ExAC 0.00006; ESP Exome Variant Server 0.00008.
gnomAD v4.1: 57 of 1,585,876 alleles (0.0036%); highest among the groups gnomAD compares: Non-Finnish European, 0.0045%; no homozygotes.

Submission:

CeGaT Center for Human Genetics Tuebingen
Classification: Likely benign. Last evaluated: 2025-08-01. Review status: criteria provided, single submitter. Criteria: CeGaT Center For Human Genetics Tuebingen Variant Classification Criteria Version 2. Collection method: clinical testing. Allele origin: germline. Affected: yes. Observed: 2 variant alleles.
Comment: ADAT3: BP4, BP7